The following is an entry in ClinVar:

ClinVar aggregate classification (germline): Uncertain significance (1 of 4 stars; one submission).

Conditions:
Familial thoracic aortic aneurysm and aortic dissection (TAAD). Also called: Thoracic aortic aneurysms and dissections. Identifiers: Orphanet 91387, MedGen C4707243, MONDO:0019625.

Allele frequency attached by ClinVar (database versions not stated): gnomAD exomes below 0.00001.
gnomAD v4.1: 1 of 1,613,742 alleles (0.000062%); highest among the groups gnomAD compares: Non-Finnish European, 0.000085%; no homozygotes.

Submission:

Ambry Genetics
Classification: Uncertain significance for Familial thoracic aortic aneurysm and aortic dissection. Last evaluated: 2022-09-01. Review status: criteria provided, single submitter. Criteria: Ambry Variant Classification Scheme 2023. Collection method: clinical testing. Allele origin: germline.
Comment: The p.R76G variant (also known as c.226A>G), located in coding exon 2 of the COL5A1 gene, results from an A to G substitution at nucleotide position 226. The arginine at codon 76 is replaced by glycine, an amino acid with dissimilar properties. This amino acid position is highly conserved in available vertebrate species. In addition, the in silico prediction for this alteration is inconclusive. Since supporting evidence is limited at this time, the clinical significance of this alteration remains unclear.

NM_000093.5(COL5A1):c.226A>G (p.Arg76Gly)

Gene: COL5A1 (collagen type V alpha 1 chain; plus strand). Cytogenetic location: 9q34.3.
Variant type: single nucleotide variant.
Coding change: c.226A>G on transcript NM_000093.5 (MANE Select); coding-DNA position 226, A replaced by G.
Protein change: p.Arg76Gly; replaces arginine 76 with glycine.
Molecular consequence: missense variant.
Genome position (GRCh38, 1-based): chr9:134,691,028, A>G. VCF-style: chr9-134691028-A-G. GRCh37 (hg19) VCF-style: chr9-137582874-A-G.
Other names: c.226A>G, p.Arg76Gly (NM_001278074.1); short protein forms R76G.
Identifiers: ClinVar variation 1788747 (VCV001788747.2), dbSNP rs2491240194, ClinGen allele CA375440534.
Genomic context (GRCh38, chr9:134,691,028, plus strand): 5'-ACAAAGACAACAGGCTTTTGCGCCACGCGGCGATCTTCCAAAGGCCCGGATGTCGCTTAC[A>G]GAGTCACCAAAGACGCGCAGCTCAGCGCACCCACCAAGCAGCTGTACCCTGGTAAGTGCC-3'
Protein context (NP_000084.3, residues 66-86): RSSKGPDVAY[Arg76Gly]VTKDAQLSAP